The following is an entry in ClinVar:

NM_002471.4(MYH6):c.4175+1G>C

Gene: MYH6 (myosin heavy chain 6; minus strand). Cytogenetic location: 14q11.2.
Variant type: single nucleotide variant.
Coding change: c.4175+1G>C on transcript NM_002471.4 (MANE Select); the canonical splice donor site of the intron after coding-DNA position 4175, G replaced by C.
Molecular consequence: splice donor variant.
Genome position (GRCh38, 1-based): chr14:23,388,858, C>G on the plus strand (G>C on the coding strand, the complement: MYH6 is on the minus strand). VCF-style: chr14-23388858-C-G. GRCh37 (hg19) VCF-style: chr14-23858067-C-G.
Identifiers: ClinVar variation 179787 (VCV000179787.4), dbSNP rs727505128, ClinGen allele CA185132.

ClinVar aggregate classification (germline): Uncertain significance (1 of 4 stars; one submission).

Submission:

Laboratory for Molecular Medicine, Mass General Brigham Personalized Medicine
Classification: Uncertain significance. Last evaluated: 2014-06-04. Review status: criteria provided, single submitter. Criteria: LMM Criteria. Collection method: clinical testing. Allele origin: germline. Observed: 1 variant allele.
Comment: The 4175+1G>C variant in MYH6 has not been reported in individuals with cardiomy opathy or in large population studies. This variant occurs in the invariant regi on (+/- 1,2) of the splice consensus sequence and is predicted to cause altered splicing leading to an abnormal or absent protein. Splice variants in MYH6 have been reported in individuals with HCM (Niimura 1998) and ASD (Granados-Riveron 2 010) though the overall evidence implicating the MYH6 gene in cardiomyopathy is still limited. Additional studies are required to fully establish the clinical s ignificance of the 4175+1G>C variant.